The following is an entry in ClinVar:

NM_001369.3(DNAH5):c.3115G>T (p.Glu1039Ter)

Genes: DNAH5 (dynein axonemal heavy chain 5; minus strand), DNAH5-AS1 (DNAH5 antisense RNA 1; plus strand). Cytogenetic location: 5p15.2.
Variant type: single nucleotide variant.
Coding change: c.3115G>T on transcript NM_001369.3 (MANE Select); coding-DNA position 3115, G replaced by T.
Protein change: p.Glu1039Ter; replaces glutamic acid 1039 with a stop codon.
Molecular consequence: nonsense.
Genome position (GRCh38, 1-based): chr5:13,882,963, C>A on the plus strand (G>T on the coding strand, the complement: DNAH5 is on the minus strand). VCF-style: chr5-13882963-C-A. GRCh37 (hg19) VCF-style: chr5-13883072-C-A.
Other names: short protein forms E1039*.
Identifiers: ClinVar variation 3650482 (VCV003650482.2).

ClinVar aggregate classification (germline): Pathogenic (1 of 4 stars; one submission).

Conditions:
Primary ciliary dyskinesia. Also called: Ciliary dyskinesia. Identifiers: Orphanet 244, MedGen C0008780, MONDO:0016575, HP:0012265.

Submission:

Labcorp Genetics (formerly Invitae), Labcorp
Classification: Pathogenic for Primary ciliary dyskinesia. Last evaluated: 2024-04-20. Review status: criteria provided, single submitter. Criteria: Invitae Variant Classification Sherloc (09022015). Collection method: clinical testing. Allele origin: germline.
Comment: This sequence change creates a premature translational stop signal (p.Glu1039*) in the DNAH5 gene. It is expected to result in an absent or disrupted protein product. Loss-of-function variants in DNAH5 are known to be pathogenic (PMID: 11788826, 16627867). This variant is not present in population databases (gnomAD no frequency). This variant has not been reported in the literature in individuals affected with DNAH5-related conditions. For these reasons, this variant has been classified as Pathogenic.

Literature cited by the submitters: PubMed 11788826; PubMed 16627867.